The following is an entry in ClinVar:

ClinVar aggregate classification (germline): Uncertain significance. Review status: criteria provided, multiple submitters, no conflicts (2 of 4 stars). 2 submissions from 2 submitters: Uncertain significance (2). Last evaluated 2025-12-13.

Conditions:
Familial cancer of breast. Also called: BREAST CANCER, FAMILIAL; Hereditary breast cancer; hereditary breast carcinoma. Identifiers: Orphanet 227535, MedGen C0346153, MONDO:0016419, OMIM 114480. Disease mechanism: loss of function.
Hereditary cancer-predisposing syndrome. Also called: Hereditary Cancer Syndrome; Neoplastic Syndromes, Hereditary; Tumor predisposition; Hereditary neoplastic syndrome. Identifiers: Orphanet 140162, MedGen C0027672, MeSH D009386, MONDO:0015356.

Allele frequency attached by ClinVar (database versions not stated): TOPMed below 0.00001; gnomAD 0.00001.
gnomAD v4.1: 2 of 1,613,984 alleles (0.00012%); highest among the groups gnomAD compares: Non-Finnish European, 0.00017%; no homozygotes.

Submissions (2):

Ambry Genetics
Classification: Uncertain significance for Hereditary cancer-predisposing syndrome. Last evaluated: 2025-12-13. Review status: criteria provided, single submitter. Criteria: Ambry Variant Classification Scheme 2023. Collection method: clinical testing. Allele origin: germline.
Comment: The p.S602C variant (also known as c.1804A>T), located in coding exon 8 of the BARD1 gene, results from an A to T substitution at nucleotide position 1804. The serine at codon 602 is replaced by cysteine, an amino acid with dissimilar properties. This amino acid position is not well conserved in available vertebrate species. In addition, the in silico prediction for this alteration is inconclusive. Since supporting evidence is limited at this time, the clinical significance of this alteration remains unclear.

Labcorp Genetics (formerly Invitae), Labcorp
Classification: Uncertain significance for Familial cancer of breast. Last evaluated: 2025-06-03. Review status: criteria provided, single submitter. Criteria: Invitae Variant Classification Sherloc (09022015). Collection method: clinical testing. Allele origin: germline.
Comment: This sequence change replaces serine, which is neutral and polar, with cysteine, which is neutral and slightly polar, at codon 602 of the BARD1 protein (p.Ser602Cys). This variant is not present in population databases (gnomAD no frequency). This variant has not been reported in the literature in individuals affected with BARD1-related conditions. ClinVar contains an entry for this variant (Variation ID: 481413). An algorithm developed to predict the effect of missense changes on protein structure and function (PolyPhen-2) suggests that this variant is likely to be disruptive. In summary, the available evidence is currently insufficient to determine the role of this variant in disease. Therefore, it has been classified as a Variant of Uncertain Significance.

NM_000465.4(BARD1):c.1804A>T (p.Ser602Cys)

Gene: BARD1 (BRCA1 associated RING domain 1; minus strand). Cytogenetic location: 2q35.
Variant type: single nucleotide variant.
Coding change: c.1804A>T on transcript NM_000465.4 (MANE Select); coding-DNA position 1804, A replaced by T.
Protein change: p.Ser602Cys; replaces serine 602 with cysteine.
Molecular consequence: missense variant. On other transcripts: non-coding transcript variant (3), intron variant (1).
Genome position (GRCh38, 1-based): chr2:214,745,728, T>A on the plus strand (A>T on the coding strand, the complement: BARD1 is on the minus strand). VCF-style: chr2-214745728-T-A. GRCh37 (hg19) VCF-style: chr2-215610452-T-A.
Other names: c.1747A>T, p.Ser583Cys (NM_001282543.2); c.451A>T, p.Ser151Cys (NM_001282545.2); c.394A>T, p.Ser132Cys (NM_001282548.2); c.365-15220A>T (NM_001282549.2); short protein forms S602C, S132C, S151C, S583C.
Identifiers: ClinVar variation 481413 (VCV000481413.17), dbSNP rs1437928909, ClinGen allele CA350452510.